The following is an entry in ClinVar:

NM_014272.5(ADAMTS7):c.2935G>A (p.Glu979Lys)

Gene: ADAMTS7 (ADAM metallopeptidase with thrombospondin type 1 motif 7; minus strand). Cytogenetic location: 15q25.1.
Variant type: single nucleotide variant.
Coding change: c.2935G>A on transcript NM_014272.5 (MANE Select); coding-DNA position 2935, G replaced by A.
Protein change: p.Glu979Lys; replaces glutamic acid 979 with lysine.
Molecular consequence: missense variant.
Genome position (GRCh38, 1-based): chr15:78,766,976, C>T on the plus strand (G>A on the coding strand, the complement: ADAMTS7 is on the minus strand). VCF-style: chr15-78766976-C-T. GRCh37 (hg19) VCF-style: chr15-79059318-C-T.
Other names: short protein forms E979K.
Identifiers: ClinVar variation 2645621 (VCV002645621.24), dbSNP rs142824118, ClinGen allele CA7685923.

ClinVar aggregate classification (germline): Likely benign (1 of 4 stars; one submission).

Allele frequency attached by ClinVar (database versions not stated): 1000 Genomes Project 30x 0.00250; 1000 Genomes Project 0.00280; TOPMed 0.00466; gnomAD 0.00486; ExAC 0.00504; ESP Exome Variant Server 0.00610; gnomAD exomes 0.00737.
gnomAD v4.1: 11,440 of 1,609,352 alleles (0.71%); highest among the groups gnomAD compares: Non-Finnish European, 0.84%; 67 homozygotes.

Submission:

CeGaT Center for Human Genetics Tuebingen
Classification: Likely benign. Last evaluated: 2023-04-01. Review status: criteria provided, single submitter. Criteria: CeGaT Center For Human Genetics Tuebingen Variant Classification Criteria Version 2. Collection method: clinical testing. Allele origin: germline. Affected: yes. Observed: 3 variant alleles.
Comment: ADAMTS7: BP4, BS2